The following is an entry in ClinVar:

NM_000088.4(COL1A1):c.35T>G (p.Leu12Arg)

Gene: COL1A1 (collagen type I alpha 1 chain; minus strand). Cytogenetic location: 17q21.33.
Variant type: single nucleotide variant.
Coding change: c.35T>G on transcript NM_000088.4 (MANE Select); coding-DNA position 35, T replaced by G.
Protein change: p.Leu12Arg; replaces leucine 12 with arginine.
Molecular consequence: missense variant.
Genome position (GRCh38, 1-based): chr17:50,201,479, A>C on the plus strand (T>G on the coding strand, the complement: COL1A1 is on the minus strand). VCF-style: chr17-50201479-A-C. GRCh37 (hg19) VCF-style: chr17-48278840-A-C.
Other names: short protein forms L12R.
Identifiers: ClinVar variation 456774 (VCV000456774.13), dbSNP rs1555575857, ClinGen allele CA400230428.
Genomic context (GRCh38, chr17:50,201,479, plus strand): 5'-TCTTGGCCCTCGACTTGGCCTTCCTCTTGGCCGTGCGTCAGGAGGGCGGTGGCCGCTAAG[A>C]GGAGCAGGAGCCGGAGGTCCACAAAGCTGAACATGTCTAGACCCTAGACATGTAGACTCT-3'
Protein context (NP_000079.2, residues 2-22): FSFVDLRLLL[Leu12Arg]LAATALLTHG

ClinVar aggregate classification (germline): Conflicting classifications of pathogenicity. Review status: criteria provided, conflicting classifications (1 of 4 stars). 3 submissions from 3 submitters: Likely pathogenic (1); Uncertain significance (2). Last evaluated 2025-08-18.

Conditions:
Osteogenesis imperfecta type I (OI1). Also called: OI, TYPE I; OSTEOGENESIS IMPERFECTA TARDA; OSTEOGENESIS IMPERFECTA WITH BLUE SCLERAE; Osteogenesis imperfecta type 1; Classic Non-deforming Osteogenesis Imperfecta with Blue Sclerae; Lobstein's Disease. Identifiers: Orphanet 216796, Orphanet 666, MedGen C0023931, MONDO:0008146, OMIM 166200. Disease mechanism: loss of function.
COL1A1-related disorder. Also called: COL1A1-related condition; COL1A1- related disease.

Submissions (3):

3billion
Classification: Uncertain significance for COL1A1-related disorder. Last evaluated: 2025-08-18. Review status: criteria provided, single submitter. Criteria: ACMG Guidelines, 2015. Collection method: clinical testing. Allele origin: germline. Affected: yes.
Comment: The variant is not observed in the gnomAD v4.1.0 dataset. Predicted Consequence/Location: Missense variant In silico tool predictions suggest damaging effect of the variant on gene or gene product [REVEL: 0.84 (>=0.6, sensitivity 0.68 and specificity 0.92)]. The same nucleotide change resulting in the same amino acid change has been previously reported to be associated with COL1A1-related disorder (ClinVar ID: VCV000456774). However, the evidence of pathogenicity is insufficient at this time. Therefore, this variant is classified as VUS according to the recommendation of ACMG/AMP guideline.

Women's Health and Genetics/Laboratory Corporation of America, LabCorp
Classification: Uncertain significance. Last evaluated: 2023-04-25. Review status: criteria provided, single submitter. Criteria: LabCorp Variant Classification Summary - May 2015. Collection method: clinical testing. Allele origin: germline.
Comment: Variant summary: COL1A1 c.35T>G (p.Leu12Arg) results in a non-conservative amino acid change in the encoded protein sequence. Five of five in-silico tools predict a damaging effect of the variant on protein function. The variant was absent in 250400 control chromosomes (gnomAD). The available data on variant occurrences in the general population are insufficient to allow any conclusion about variant significance. To our knowledge, no occurrence of c.35T>G in individuals affected with Osteogenesis Imperfecta and no experimental evidence demonstrating its impact on protein function have been reported in the literature. One clinical diagnostic laboratory has submitted clinical-significance assessments for this variant to ClinVar after 2014 without evidence for independent evaluation, and classified the variant as likely pathogenic. Based on the evidence outlined above, the variant was classified as uncertain significance.

Labcorp Genetics (formerly Invitae), Labcorp
Classification: Likely pathogenic for Osteogenesis imperfecta type I. Last evaluated: 2019-03-09. Review status: criteria provided, single submitter. Criteria: Invitae Variant Classification Sherloc (09022015). Collection method: clinical testing. Allele origin: germline.
Comment: This variant has been found to be de novo in an individual affected with COL1A1-related disease (Invitae). This variant is not present in population databases (ExAC no frequency). This sequence change replaces leucine with arginine at codon 12 of the COL1A1 protein (p.Leu12Arg). The leucine residue is highly conserved and there is a moderate physicochemical difference between leucine and arginine. Algorithms developed to predict the effect of missense changes on protein structure and function do not agree on the potential impact of this missense change (SIFT: "Deleterious"; PolyPhen-2: "Unknown"; Align-GVGD: "Class C65"). In summary, the currently available evidence indicates that the variant is pathogenic, but additional data are needed to prove that conclusively. Therefore, this variant has been classified as Likely Pathogenic.